The following is an entry in ClinVar:

ClinVar aggregate classification (germline): Likely benign (1 of 4 stars; one submission).

Allele frequency attached by ClinVar (database versions not stated): ExAC 0.00127; 1000 Genomes Project 30x 0.00156.

Submission:

CeGaT Center for Human Genetics Tuebingen
Classification: Likely benign. Last evaluated: 2025-02-01. Review status: criteria provided, single submitter. Criteria: CeGaT Center For Human Genetics Tuebingen Variant Classification Criteria Version 2. Collection method: clinical testing. Allele origin: germline. Affected: yes. Observed: 2 variant alleles.
Comment: MUC22: BP4, BP7

NM_001395414.1(MUC22):c.1371T>C (p.Thr457=)

Gene: MUC22 (mucin 22; plus strand). Cytogenetic location: 6p21.33.
Variant type: single nucleotide variant.
Coding change: c.1371T>C on transcript NM_001395414.1 (MANE Select); coding-DNA position 1371, T replaced by C.
Protein change: p.Thr457=; no amino-acid change (threonine 457 retained).
Molecular consequence: synonymous variant.
Genome position (GRCh38, 1-based): chr6:31,026,802, T>C. VCF-style: chr6-31026802-T-C. GRCh37 (hg19) VCF-style: chr6-30994579-T-C.
Other names: c.1371T>C, p.Thr457= (NM_001198815.1); c.1380T>C, p.Thr460= (NM_001318484.1, NM_001322469.1).
Identifiers: ClinVar variation 3024769 (VCV003024769.22), dbSNP rs757406932, ClinGen allele CA3707758.